The following is an entry in ClinVar:

NM_003119.4(SPG7):c.529A>G (p.Lys177Glu)

Gene: SPG7 (SPG7 matrix AAA peptidase subunit, paraplegin; plus strand). Cytogenetic location: 16q24.3.
Variant type: single nucleotide variant.
Coding change: c.529A>G on transcript NM_003119.4 (MANE Select); coding-DNA position 529, A replaced by G.
Protein change: p.Lys177Glu; replaces lysine 177 with glutamic acid.
Molecular consequence: missense variant.
Genome position (GRCh38, 1-based): chr16:89,524,158, A>G. VCF-style: chr16-89524158-A-G. GRCh37 (hg19) VCF-style: chr16-89590566-A-G.
Other names: c.529A>G, p.Lys177Glu (NM_001363850.1, NM_199367.3); short protein forms K177E.
Identifiers: ClinVar variation 1043884 (VCV001043884.8), dbSNP rs1244544459, ClinGen allele CA397417574.

ClinVar aggregate classification (germline): Uncertain significance (1 of 4 stars; one submission).

Conditions:
Hereditary spastic paraplegia 7 (SPG7). Also called: SPASTIC PARAPLEGIA 7, AUTOSOMAL RECESSIVE, WITH OR WITHOUT CEREBELLAR ATAXIA; Spastic paraplegia 7; Hereditary spastic paraplegia Paraplegin type; Autosomal recessive spastic paraplegia type 7; SPG7-related neurologic disorder. Identifiers: Orphanet 99013, MedGen C1846564, MONDO:0011803, OMIM 607259.

Allele frequency attached by ClinVar (database versions not stated): gnomAD exomes below 0.00001; gnomAD 0.00001.
gnomAD v4.1: 2 of 1,614,004 alleles (0.00012%); highest among the groups gnomAD compares: East Asian, 0.0022%; no homozygotes.

Submission:

Labcorp Genetics (formerly Invitae), Labcorp
Classification: Uncertain significance for Hereditary spastic paraplegia 7. Last evaluated: 2018-05-24. Review status: criteria provided, single submitter. Criteria: Invitae Variant Classification Sherloc (09022015). Collection method: clinical testing. Allele origin: germline.
Comment: This variant is not present in population databases (ExAC no frequency). This sequence change replaces lysine with glutamic acid at codon 177 of the SPG7 protein (p.Lys177Glu). The lysine residue is moderately conserved and there is a small physicochemical difference between lysine and glutamic acid. In summary, the available evidence is currently insufficient to determine the role of this variant in disease. Therefore, it has been classified as a Variant of Uncertain Significance. Algorithms developed to predict the effect of missense changes on protein structure and function are either unavailable or do not agree on the potential impact of this missense change (SIFT: "Tolerated"; PolyPhen-2: "Probably Damaging"; Align-GVGD: "Class C0"). This variant has not been reported in the literature in individuals with SPG7-related disease.